The following is an entry in ClinVar:

ClinVar aggregate classification (germline): Conflicting classifications of pathogenicity. Review status: criteria provided, conflicting classifications (1 of 4 stars). 6 submissions from 6 submitters: Uncertain significance (2); Likely benign (4). Last evaluated 2026-06-26.

Conditions:
Inherited ovarian cancer (without breast cancer).
Hereditary cancer-predisposing syndrome. Also called: Neoplastic Syndromes, Hereditary; Hereditary Cancer Syndrome; Hereditary neoplastic syndrome; Tumor predisposition. Identifiers: Orphanet 140162, MedGen C0027672, MeSH D009386, MONDO:0015356.
Hereditary breast ovarian cancer syndrome. Also called: Hereditary breast and ovarian cancer syndrome; Hereditary breast and/or ovarian cancer syndrome; Hereditary breast and ovarian cancer syndrome (HBOC); BRCA1- and BRCA2-Associated Hereditary Breast and Ovarian Cancer; Hereditary breast and ovarian cancer; Breast and ovarian cancer. Identifiers: Orphanet 145, MedGen C0677776, MeSH D061325, MONDO:0003582. Disease mechanism: loss of function.
Familial cancer of breast. Also called: Hereditary breast cancer; BREAST CANCER, FAMILIAL; hereditary breast carcinoma. Identifiers: Orphanet 227535, MedGen C0346153, MONDO:0016419, OMIM 114480. Disease mechanism: loss of function.

gnomAD v4.1: 2 of 1,574,804 alleles (0.00013%); highest among the groups gnomAD compares: Middle Eastern, 0.017%; no homozygotes.

Submissions (6):

Cambridge Genomics Laboratory, East Genomic Laboratory Hub, NHS Genomic Medicine Service
Classification: Likely benign for Inherited ovarian cancer (without breast cancer). Last evaluated: 2026-06-26. Review status: criteria provided, single submitter. Criteria: ACGS Best Practice Guidelines for Variant Classification in Rare Disease 2020. Collection method: clinical testing. Allele origin: germline. Affected: yes.
Comment: PM2_Supporting,BP1_Strong,BP4

Center for Genomic Medicine, Rigshospitalet, Copenhagen University Hospital
Classification: Likely benign. Last evaluated: 2025-03-04. Review status: criteria provided, single submitter. Criteria: ACMG Guidelines, 2015. Collection method: clinical testing. Allele origin: germline.

Labcorp Genetics (formerly Invitae), Labcorp
Classification: Uncertain significance for Hereditary breast ovarian cancer syndrome. Last evaluated: 2025-01-12. Review status: criteria provided, single submitter. Criteria: Invitae Variant Classification Sherloc (09022015). Collection method: clinical testing. Allele origin: germline.
Comment: This sequence change replaces alanine, which is neutral and non-polar, with proline, which is neutral and non-polar, at codon 2306 of the BRCA2 protein (p.Ala2306Pro). This variant is not present in population databases (gnomAD no frequency). This missense change has been observed in individual(s) with personal or family history of breast and/or ovarian cancer (PMID: 16683254, 22921157, 29409476). ClinVar contains an entry for this variant (Variation ID: 491311). Invitae Evidence Modeling of protein sequence and biophysical properties (such as structural, functional, and spatial information, amino acid conservation, physicochemical variation, residue mobility, and thermodynamic stability) indicates that this missense variant is not expected to disrupt BRCA2 protein function with a negative predictive value of 95%. In summary, the available evidence is currently insufficient to determine the role of this variant in disease. Therefore, it has been classified as a Variant of Uncertain Significance.

MGZ Medical Genetics Center
Classification: Likely benign for Familial cancer of breast. Last evaluated: 2024-02-09. Review status: criteria provided, single submitter. Criteria: CSpec BRCA1/2ACMG Rules Specifications V1.1.0. Collection method: clinical testing. Allele origin: germline. Affected: yes.
Comment: ACMG codes applied following ENIGMA VCEP rules: BP1_STR, PM2_SUP

Ambry Genetics
Classification: Likely benign for Hereditary cancer-predisposing syndrome. Last evaluated: 2021-10-04. Review status: criteria provided, single submitter. Criteria: Ambry Variant Classification Scheme 2023. Collection method: clinical testing. Allele origin: germline.

Color Diagnostics, LLC DBA Color Health
Classification: Uncertain significance for Hereditary cancer-predisposing syndrome. Last evaluated: 2019-05-08. Review status: criteria provided, single submitter. Criteria: ACMG Guidelines, 2015. Collection method: clinical testing. Allele origin: germline.

Literature cited by the submitters: PubMed 16683254 (cited by Labcorp Genetics (formerly Invitae), Labcorp and Ambry Genetics); PubMed 22921157 (cited by Labcorp Genetics (formerly Invitae), Labcorp); PubMed 29409476 (cited by Labcorp Genetics (formerly Invitae), Labcorp and Ambry Genetics).

NM_000059.4(BRCA2):c.6916G>C (p.Ala2306Pro)

Gene: BRCA2 (BRCA2 DNA repair associated; plus strand). Cytogenetic location: 13q13.1.
Variant type: single nucleotide variant.
Coding change: c.6916G>C on transcript NM_000059.4 (MANE Select); coding-DNA position 6916, G replaced by C.
Protein change: p.Ala2306Pro; replaces alanine 2306 with proline.
Molecular consequence: missense variant.
Genome position (GRCh38, 1-based): chr13:32,344,632, G>C. VCF-style: chr13-32344632-G-C. GRCh37 (hg19) VCF-style: chr13-32918769-G-C.
Other names: short protein forms A2306P.
Identifiers: ClinVar variation 491311 (VCV000491311.19), dbSNP rs730881550, ClinGen allele CA387792911.
Genomic context (GRCh38, chr13:32,344,632, plus strand): 5'-AAAAGAAACTTATTAAATGAATTTGACAGGATAATAGAAAATCAAGAAAAATCCTTAAAG[G>C]CTTCAAAAAGCACTCCAGATGGTAAAATTAGCTTTTTATTTATATCTGTTCTCCCTCTAT-3'
Protein context (NP_000050.3, residues 2296-2316): IIENQEKSLK[Ala2306Pro]SKSTPDGTIK